The following is an entry in ClinVar:

NM_139027.6(ADAMTS13):c.988-3T>C

Gene: ADAMTS13 (ADAM metallopeptidase with thrombospondin type 1 motif 13; plus strand). Cytogenetic location: 9q34.2.
Variant type: single nucleotide variant.
Coding change: c.988-3T>C on transcript NM_139027.6 (MANE Select); 3 bases into the intron before coding-DNA position 988, T replaced by C.
Molecular consequence: intron variant.
Genome position (GRCh38, 1-based): chr9:133,432,585, T>C. VCF-style: chr9-133432585-T-C. GRCh37 (hg19) VCF-style: chr9-136297706-T-C.
Other names: c.988-3T>C (NM_139025.5); c.895-3T>C (NM_139026.6).
Identifiers: ClinVar variation 1942652 (VCV001942652.3), dbSNP rs781803336, ClinGen allele CA200926435.
Genomic context (GRCh38, chr9:133,432,585, plus strand): 5'-GGACACTGGCCTGGAAGGCCCTGGTGGCCCCTGAGCTCGCCACCCACCTGTCCACCCTCC[T>C]AGGATATGTGCCAGGCCCTCTCCTGCCACACAGACCCGCTGGACCAAAGCAGCTGCAGCC-3'

ClinVar aggregate classification (germline): Uncertain significance (1 of 4 stars; one submission).

Allele frequency attached by ClinVar (database versions not stated): gnomAD exomes 0.00001; TOPMed 0.00006; gnomAD 0.00009.
gnomAD v4.1: 22 of 1,550,856 alleles (0.0014%); highest among the groups gnomAD compares: African/African-American, 0.029%; no homozygotes.

Submission:

Labcorp Genetics (formerly Invitae), Labcorp
Classification: Uncertain significance. Last evaluated: 2025-06-12. Review status: criteria provided, single submitter. Criteria: Invitae Variant Classification Sherloc (09022015). Collection method: clinical testing. Allele origin: germline.
Comment: This sequence change falls in intron 8 of the ADAMTS13 gene. It does not directly change the encoded amino acid sequence of the ADAMTS13 protein. It affects a nucleotide within the consensus splice site. This variant is present in population databases (no rsID available, gnomAD 0.03%). This variant has not been reported in the literature in individuals affected with ADAMTS13-related conditions. ClinVar contains an entry for this variant (Variation ID: 1942652). Variants that disrupt the consensus splice site are a relatively common cause of aberrant splicing (PMID: 17576681, 9536098). Algorithms developed to predict the effect of sequence changes on RNA splicing suggest that this variant is not likely to affect RNA splicing. In summary, the available evidence is currently insufficient to determine the role of this variant in disease. Therefore, it has been classified as a Variant of Uncertain Significance.

Literature cited by the submitters: PubMed 17576681; PubMed 9536098.